The following is an entry in ClinVar:

ClinVar aggregate classification (germline): Uncertain significance (1 of 4 stars; one submission).

Submission:

GeneDx
Classification: Uncertain significance. Last evaluated: 2023-12-13. Review status: criteria provided, single submitter. Criteria: GeneDx Variant Classification Process June 2021. Collection method: clinical testing. Allele origin: germline. Affected: yes.
Comment: Not observed at significant frequency in large population cohorts (gnomAD); Has not been previously published as pathogenic or benign to our knowledge; In silico analysis is inconclusive as to whether the variant alters gene splicing. In the absence of RNA/functional studies, the actual effect of this sequence change is unknown.

NM_003091.4(SNRPB):c.267+5G>A

Gene: SNRPB (small nuclear ribonucleoprotein polypeptides B and B1; minus strand). Cytogenetic location: 20p13.
Variant type: single nucleotide variant.
Coding change: c.267+5G>A on transcript NM_003091.4 (MANE Select); 5 bases into the intron after coding-DNA position 267, G replaced by A.
Molecular consequence: intron variant.
Genome position (GRCh38, 1-based): chr20:2,465,703, C>T on the plus strand (G>A on the coding strand, the complement: SNRPB is on the minus strand). VCF-style: chr20-2465703-C-T. GRCh37 (hg19) VCF-style: chr20-2446349-C-T.
Other names: c.267+5G>A (NM_198216.2).
Identifiers: ClinVar variation 3252718 (VCV003252718.1), dbSNP rs2514423023.